The following is an entry in ClinVar:

NM_004168.4(SDHA):c.453C>T (p.Val151=)

Gene: SDHA (succinate dehydrogenase complex flavoprotein subunit A; plus strand). Cytogenetic location: 5p15.33.
Variant type: single nucleotide variant.
Coding change: c.453C>T on transcript NM_004168.4 (MANE Select); coding-DNA position 453, C replaced by T.
Protein change: p.Val151=; no amino-acid change (valine 151 retained).
Molecular consequence: synonymous variant. On other transcripts: intron variant (1).
Genome position (GRCh38, 1-based): chr5:225,559, C>T. VCF-style: chr5-225559-C-T. GRCh37 (hg19) VCF-style: chr5-225674-C-T.
Other names: c.453C>T, p.Val151= (NM_001330758.2); c.313-324C>T (NM_001294332.2).
Identifiers: ClinVar variation 239670 (VCV000239670.19), dbSNP rs138917116, ClinGen allele CA3172826.

ClinVar aggregate classification (germline): Benign/Likely benign. Review status: criteria provided, multiple submitters, no conflicts (2 of 4 stars). 6 submissions from 6 submitters: Benign (1); Likely benign (4). 1 of the submissions does not count toward it. Last evaluated 2026-01-16.

Conditions:
SDHA-related disorder. Also called: SDHA-related condition; SDHA-related disorders.
Mitochondrial complex II deficiency, nuclear type 1. Also called: SUCCINATE CoQ REDUCTASE DEFICIENCY. Identifiers: Orphanet 3208, MedGen C5700310, MONDO:0100294, OMIM 252011.
Pheochromocytoma/paraganglioma syndrome 5. Also called: Paragangliomas 5; SDHA-Related Hereditary Paraganglioma-Pheochromocytoma Syndrome. Identifiers: Orphanet 29072, MedGen C3279992, MONDO:0013602, OMIM 614165.
Hereditary cancer-predisposing syndrome. Also called: Hereditary Cancer Syndrome; Hereditary neoplastic syndrome; Neoplastic Syndromes, Hereditary; Tumor predisposition. Identifiers: Orphanet 140162, MedGen C0027672, MeSH D009386, MONDO:0015356.

gnomAD v4.1: 73 of 1,613,718 alleles (0.0045%); highest among the groups gnomAD compares: Non-Finnish European, 0.0059%; no homozygotes.

Submissions (6):

Labcorp Genetics (formerly Invitae), Labcorp
Classification: Likely benign for Pheochromocytoma/paraganglioma syndrome 5; Mitochondrial complex II deficiency, nuclear type 1. Last evaluated: 2026-01-16. Review status: criteria provided, single submitter. Criteria: Invitae Variant Classification Sherloc (09022015). Collection method: clinical testing. Allele origin: germline.

Myriad Genetics, Inc.
Classification: Benign for Pheochromocytoma/paraganglioma syndrome 5. Last evaluated: 2025-02-28. Review status: criteria provided, single submitter. Criteria: Myriad Autosomal Dominant, Autosomal Recessive and X-Linked Classification Criteria (2023). Collection method: clinical testing. Allele origin: unknown.
Comment: This variant is considered benign. This variant is a silent/synonymous amino acid change and it is not expected to impact splicing.

Quest Diagnostics Nichols Institute San Juan Capistrano
Classification: Likely benign. Last evaluated: 2023-01-31. Review status: criteria provided, single submitter. Criteria: Quest Diagnostics criteria. Collection method: clinical testing. Allele origin: unknown.

Ambry Genetics
Classification: Likely benign for Hereditary cancer-predisposing syndrome. Last evaluated: 2018-05-29. Review status: criteria provided, single submitter. Criteria: Ambry Variant Classification Scheme 2023. Collection method: clinical testing. Allele origin: germline.

GeneDx
Classification: Likely benign. Last evaluated: 2017-02-03. Review status: criteria provided, single submitter. Criteria: GeneDx Variant Classification (06012015). Collection method: clinical testing. Allele origin: germline. Affected: yes.
Comment: This variant is considered likely benign or benign based on one or more of the following criteria: it is a conservative change, it occurs at a poorly conserved position in the protein, it is predicted to be benign by multiple in silico algorithms, and/or has population frequency not consistent with disease.

PreventionGenetics, part of Exact Sciences
Classification: Likely benign for SDHA-related condition. Last evaluated: 2024-05-21. Review status: no assertion criteria provided. Collection method: clinical testing. Allele origin: germline. Not counted in ClinVar's aggregate classification.
Comment: This variant is classified as likely benign based on ACMG/AMP sequence variant interpretation guidelines (Richards et al. 2015 PMID: 25741868, with internal and published modifications).